The following is an entry in ClinVar:

NM_001005242.3(PKP2):c.558C>A (p.Ala186=)

Gene: PKP2 (plakophilin 2; minus strand). Cytogenetic location: 12p11.21.
Variant type: single nucleotide variant.
Coding change: c.558C>A on transcript NM_001005242.3 (MANE Select); coding-DNA position 558, C replaced by A.
Protein change: p.Ala186=; no amino-acid change (alanine 186 retained).
Molecular consequence: synonymous variant.
Genome position (GRCh38, 1-based): chr12:32,878,322, G>T on the plus strand (C>A on the coding strand, the complement: PKP2 is on the minus strand). VCF-style: chr12-32878322-G-T. GRCh37 (hg19) VCF-style: chr12-33031256-G-T.
Other names: c.558C>A, p.Ala186= (NM_001407155.1, NM_001407156.1, NM_001407157.1 and 2 more transcripts); c.231C>A, p.Ala77= (NM_001407158.1, NM_001407159.1, NM_001407160.1 and 1 more transcripts).
Identifiers: ClinVar variation 1922096 (VCV001922096.10), dbSNP rs184522105, ClinGen allele CA235266571.
Genomic context (GRCh38, chr12:32,878,322, plus strand): 5'-GCCAGCACGGCTGACCCCCACGATCTCGGAACGAGCATATCTCGGTGGCACTAGGAGGGC[G>T]GCCCGCCTGCTTTCTTGGTGGTGCAGGGTGTGCCCAGCCTGGCTTCTCTGGCTGTACTGG-3'
Protein context (NP_001005242.2, residues 176-196): HTLHHQESRR[Ala186=]ALLVPPRYAR

ClinVar aggregate classification (germline): Likely benign. Review status: criteria provided, multiple submitters, no conflicts (2 of 4 stars). 4 submissions from 4 submitters: Likely benign (4). Last evaluated 2025-11-12.

Conditions:
Cardiovascular phenotype. Identifiers: MedGen CN230736.
Cardiomyopathy (CMYO). Also called: Cardiomyopathies. Identifiers: Orphanet 167848, MedGen C0878544, MONDO:0004994, HP:0001638. Inheritance: Various modes of inheritance.
Arrhythmogenic right ventricular cardiomyopathy (ARVD). Also called: Cardiomyopathy, ARVC; Arrhythmogenic cardiomyopathy; Arrhythmogenic Right Ventricular Cardiomyopathy (ARVC); Arrhythmogenic right ventricular dysplasia. Identifiers: Orphanet 247, MedGen C0349788, MeSH D019571, MONDO:0016587. Disease mechanism: loss of function. Inheritance: Various modes of inheritance.
Arrhythmogenic right ventricular dysplasia 9 (ARVD9). Also called: ARRHYTHMOGENIC RIGHT VENTRICULAR DYSPLASIA, FAMILIAL, 9; Arrhythmogenic Right Ventricular Dysplasia/Cardiomyopathy 9. Identifiers: MedGen C1836906, MONDO:0012180, OMIM 609040.

gnomAD v4.1: 8 of 1,610,712 alleles (0.0005%); highest among the groups gnomAD compares: African/African-American, 0.0094%; no homozygotes.

Submissions (4):

Labcorp Genetics (formerly Invitae), Labcorp
Classification: Likely benign for Arrhythmogenic right ventricular dysplasia 9. Last evaluated: 2025-11-12. Review status: criteria provided, single submitter. Criteria: Invitae Variant Classification Sherloc (09022015). Collection method: clinical testing. Allele origin: germline.

Ambry Genetics
Classification: Likely benign for Cardiovascular phenotype. Last evaluated: 2023-05-21. Review status: criteria provided, single submitter. Criteria: Ambry Variant Classification Scheme 2023. Collection method: clinical testing. Allele origin: germline.

All of Us Research Program, National Institutes of Health
Classification: Likely benign for Arrhythmogenic right ventricular cardiomyopathy. Last evaluated: 2023-03-09. Review status: criteria provided, single submitter. Criteria: ACMG Guidelines, 2015. Collection method: clinical testing. Allele origin: germline. Inheritance: Autosomal dominant inheritance. Observed: 1 variant allele, 1 heterozygote.
Comment: This study involves interpretation of variants in research participants for the purpose of population health screening. Participant phenotype was not available at the time of variant classification. Additional details can be found in publication PMID: 35346344, PMCID: PMC8962531

Color Diagnostics, LLC DBA Color Health
Classification: Likely benign for Cardiomyopathy. Last evaluated: 2022-03-09. Review status: criteria provided, single submitter. Criteria: ACMG Guidelines, 2015. Collection method: clinical testing. Allele origin: germline.